The following is an entry in ClinVar:

ClinVar aggregate classification (germline): Uncertain significance (1 of 4 stars; one submission).

Allele frequency attached by ClinVar (database versions not stated): gnomAD exomes 0.00001; gnomAD 0.00002.
gnomAD v4.1: 8 of 1,611,620 alleles (0.0005%); highest among the groups gnomAD compares: Non-Finnish European, 0.00068%; no homozygotes.

Submission:

Labcorp Genetics (formerly Invitae), Labcorp
Classification: Uncertain significance. Last evaluated: 2021-09-02. Review status: criteria provided, single submitter. Criteria: Invitae Variant Classification Sherloc (09022015). Collection method: clinical testing. Allele origin: germline.
Comment: This sequence change replaces aspartic acid with valine at codon 317 of the DHX38 protein (p.Asp317Val). The aspartic acid residue is highly conserved and there is a large physicochemical difference between aspartic acid and valine. This variant is not present in population databases (ExAC no frequency). This variant has not been reported in the literature in individuals affected with DHX38-related conditions. Algorithms developed to predict the effect of missense changes on protein structure and function are either unavailable or do not agree on the potential impact of this missense change (SIFT: "Deleterious"; PolyPhen-2: "Benign"; Align-GVGD: "Class C35"). In summary, the available evidence is currently insufficient to determine the role of this variant in disease. Therefore, it has been classified as a Variant of Uncertain Significance.

NM_014003.4(DHX38):c.950A>T (p.Asp317Val)

Gene: DHX38 (DEAH-box helicase 38; plus strand). Cytogenetic location: 16q22.2.
Variant type: single nucleotide variant.
Coding change: c.950A>T on transcript NM_014003.4 (MANE Select); coding-DNA position 950, A replaced by T.
Protein change: p.Asp317Val; replaces aspartic acid 317 with valine.
Molecular consequence: missense variant.
Genome position (GRCh38, 1-based): chr16:72,099,270, A>T. VCF-style: chr16-72099270-A-T. GRCh37 (hg19) VCF-style: chr16-72133169-A-T.
Other names: short protein forms D317V.
Identifiers: ClinVar variation 1021485 (VCV001021485.6), dbSNP rs1477594439, ClinGen allele CA396703924.
Genomic context (GRCh38, chr16:72,099,270, plus strand): 5'-GTGAGGAGGGCGAAGAAGGAATTTCATTTGACACGGAGGAGGAGCGGCAGCAGTGGGAAG[A>T]TGACCAGAGGGTAAAGTTTTATACCTCTGAGGGGCTGATCGGGGCTGGTGGCCGTCTGTA-3'
Protein context (NP_054722.2, residues 307-327): DTEEERQQWE[Asp317Val]DQRQADRDWY